The following is an entry in ClinVar:

ClinVar aggregate classification (germline): Uncertain significance (1 of 4 stars; one submission).

Submission:

Labcorp Genetics (formerly Invitae), Labcorp
Classification: Uncertain significance. Last evaluated: 2025-11-06. Review status: criteria provided, single submitter. Criteria: Invitae Variant Classification Sherloc (09022015). Collection method: clinical testing. Allele origin: germline.
Comment: This sequence change replaces methionine, which is neutral and non-polar, with leucine, which is neutral and non-polar, at codon 192 of the IRF2BP2 protein (p.Met192Leu). This variant is not present in population databases (gnomAD no frequency). This variant has not been reported in the literature in individuals affected with IRF2BP2-related conditions. ClinVar contains an entry for this variant (Variation ID: 3675526). An algorithm developed to predict the effect of missense changes on protein structure and function (PolyPhen-2) suggests that this variant is likely to be tolerated. In summary, the available evidence is currently insufficient to determine the role of this variant in disease. Therefore, it has been classified as a Variant of Uncertain Significance.

NM_182972.3(IRF2BP2):c.574A>C (p.Met192Leu)

Gene: IRF2BP2 (interferon regulatory factor 2 binding protein 2; minus strand). Cytogenetic location: 1q42.3.
Variant type: single nucleotide variant.
Coding change: c.574A>C on transcript NM_182972.3 (MANE Select); coding-DNA position 574, A replaced by C.
Protein change: p.Met192Leu; replaces methionine 192 with leucine.
Molecular consequence: missense variant.
Genome position (GRCh38, 1-based): chr1:234,608,921, T>G on the plus strand (A>C on the coding strand, the complement: IRF2BP2 is on the minus strand). VCF-style: chr1-234608921-T-G. GRCh37 (hg19) VCF-style: chr1-234744667-T-G.
Other names: c.574A>C, p.Met192Leu (NM_001077397.1); short protein forms M192L.
Identifiers: ClinVar variation 3675526 (VCV003675526.2).